The following is an entry in ClinVar:

ClinVar aggregate classification (germline): Likely pathogenic (1 of 4 stars; one submission).

Submission:

CeGaT Center for Human Genetics Tuebingen
Classification: Likely pathogenic. Last evaluated: 2024-03-01. Review status: criteria provided, single submitter. Criteria: CeGaT Center For Human Genetics Tuebingen Variant Classification Criteria Version 2. Collection method: clinical testing. Allele origin: germline. Affected: yes. Observed: 2 variant alleles.
Comment: STAT5B: PVS1:Strong, PM2

NM_012448.4(STAT5B):c.1474-2_1474delinsT

Gene: STAT5B (signal transducer and activator of transcription 5B; minus strand). Cytogenetic location: 17q21.2.
Variant type: Indel.
Coding change: c.1474-2_1474delinsT on transcript NM_012448.4 (MANE Select); the canonical splice acceptor site of the intron before coding-DNA position 1474 through coding-DNA position 1474, AGG replaced by T.
Molecular consequence: splice acceptor variant.
Genome position (GRCh38, 1-based): chr17:42,212,190-42,212,192, CCT replaced by A on the plus strand (AGG replaced by T on the coding strand, the reverse complement: STAT5B is on the minus strand). VCF-style: chr17-42212190-CCT-A. GRCh37 (hg19) VCF-style: chr17-40364208-CCT-A.
Identifiers: ClinVar variation 3067804 (VCV003067804.21), dbSNP rs2508732857, ClinGen allele CA2825002515.